The following is an entry in ClinVar:

ClinVar aggregate classification (germline): Uncertain significance. Review status: criteria provided, multiple submitters, no conflicts (2 of 4 stars). 2 submissions from 2 submitters: Uncertain significance (2). Last evaluated 2017-11-20.

Conditions:
Hereditary cancer-predisposing syndrome. Also called: Tumor predisposition; Neoplastic Syndromes, Hereditary; Hereditary neoplastic syndrome; Hereditary Cancer Syndrome. Identifiers: Orphanet 140162, MedGen C0027672, MeSH D009386, MONDO:0015356.

Submissions (2):

Ambry Genetics
Classification: Uncertain significance for Hereditary cancer-predisposing syndrome. Last evaluated: 2017-11-20. Review status: criteria provided, single submitter. Criteria: Ambry Variant Classification Scheme 2023. Collection method: clinical testing. Allele origin: germline.
Comment: The p.N30D variant (also known as c.88A>G), located in coding exon 2 of the BRCA2 gene, results from an A to G substitution at nucleotide position 88. The asparagine at codon 30 is replaced by aspartic acid, an amino acid with highly similar properties. This amino acid position is highly conserved in available vertebrate species. In addition, this alteration is predicted to be tolerated by in silico analysis. Since supporting evidence is limited at this time, the clinical significance of this alteration remains unclear.

Women's Health and Genetics/Laboratory Corporation of America, LabCorp
Classification: Uncertain significance. Last evaluated: 2016-09-27. Review status: criteria provided, single submitter. Criteria: LabCorp Variant Classification Summary - May 2015. Collection method: clinical testing. Allele origin: germline.
Comment: Variant summary: The BRCA2 c.88A>G (p.Asn30Asp) variant involves the alteration of a conserved nucleotide. 2/4 in silico tools predict a damaging outcome for this variant. This variant is absent in 120054 control chromosomes. The variant of interest has not, to our knowledge, been reported in affected individuals via publications and/or reputable databases/clinical diagnostic laboratories; nor evaluated for functional impact by in vivo/vitro studies. Because of the absence of clinical information and the lack of functional studies, the variant is classified as a variant of uncertain significance (VUS) until additional information becomes available.

NM_000059.4(BRCA2):c.88A>G (p.Asn30Asp)

Gene: BRCA2 (BRCA2 DNA repair associated; plus strand). Cytogenetic location: 13q13.1.
Variant type: single nucleotide variant.
Coding change: c.88A>G on transcript NM_000059.4 (MANE Select); coding-DNA position 88, A replaced by G.
Protein change: p.Asn30Asp; replaces asparagine 30 with aspartic acid.
Molecular consequence: missense variant.
Genome position (GRCh38, 1-based): chr13:32,319,097, A>G. VCF-style: chr13-32319097-A-G. GRCh37 (hg19) VCF-style: chr13-32893234-A-G.
Other names: short protein forms N30D.
Identifiers: ClinVar variation 495512 (VCV000495512.3), dbSNP rs1253463092, ClinGen allele CA387754088.